The following is an entry in ClinVar:

NM_152443.3(RDH12):c.316C>T (p.Arg106Ter)

Genes: GPHN (gephyrin; plus strand), RDH12 (retinol dehydrogenase 12; plus strand). Cytogenetic location: 14q24.1.
Variant type: single nucleotide variant.
Coding change: c.316C>T on transcript NM_152443.3 (MANE Select); coding-DNA position 316, C replaced by T.
Protein change: p.Arg106Ter; replaces arginine 106 with a stop codon.
Molecular consequence: nonsense.
Genome position (GRCh38, 1-based): chr14:67,725,227, C>T. VCF-style: chr14-67725227-C-T. GRCh37 (hg19) VCF-style: chr14-68191944-C-T.
Other names: p.Arg106Ter; short protein forms R106*.
Identifiers: ClinVar variation 835782 (VCV000835782.59), dbSNP rs752242512, ClinGen allele CA7238666.

ClinVar aggregate classification (germline): Pathogenic. Review status: criteria provided, multiple submitters, no conflicts (2 of 4 stars). 8 submissions from 8 submitters: Pathogenic (8). Last evaluated 2026-03-01.

Conditions:
Leber congenital amaurosis (LCA). Also called: Leber's amaurosis. Identifiers: Orphanet 65, MedGen C0339527, MeSH D057130, MONDO:0018998.
Retinitis pigmentosa (RP). Identifiers: Orphanet 791, MedGen C0035334, MeSH D012174, MONDO:0019200, OMIM 268000. Inheritance: Autosomal dominant, autosomal recessive and X linked inheritance.
RDH12-related disorder. Also called: RDH12-related condition; RDH12-related disorders.
Leber congenital amaurosis 13 (LCA13). Identifiers: MedGen C2675186, MONDO:0012990, OMIM 612712.

Allele frequency attached by ClinVar (database versions not stated): ExAC 0.00002; gnomAD exomes 0.00002 and 0.00003; gnomAD 0.00001; TOPMed 0.00001.
gnomAD v4.1: 42 of 1,613,540 alleles (0.0026%); highest among the groups gnomAD compares: South Asian, 0.0033%; no homozygotes.

Submissions (8):

Medical Molecular Genetics Department, National Research Center
Classification: Pathogenic for Retinitis pigmentosa. Last evaluated: 2026-03-01. Review status: criteria provided, single submitter. Criteria: ACMG Guidelines, 2015. Collection method: research. Allele origin: germline. Affected: yes. Observed: 2 variant alleles.
Comment: RDH12 c.316C>T (p.Arg106Ter): Nonsense (null variant). Absent from gnomAD. Homozygous in two RP siblings. Multiple reports (PMID:22065924, PMID:32014858). Loss-of-function mechanism established for RDH12. Classified Pathogenic (PVS1,PM2,PM3)

Labcorp Genetics (formerly Invitae), Labcorp
Classification: Pathogenic for Leber congenital amaurosis 13. Last evaluated: 2025-10-28. Review status: criteria provided, single submitter. Criteria: Invitae Variant Classification Sherloc (09022015). Collection method: clinical testing. Allele origin: germline.
Comment: This sequence change creates a premature translational stop signal (p.Arg106*) in the RDH12 gene. It is expected to result in an absent or disrupted protein product. Loss-of-function variants in RDH12 are known to be pathogenic (PMID: 17964524, 22065924, 32014858, 34001834). This variant is present in population databases (rs752242512, gnomAD 0.006%). This premature translational stop signal has been observed in individuals with Leber congenital amaurosis (PMID: 22065924, 29178642). ClinVar contains an entry for this variant (Variation ID: 835782). For these reasons, this variant has been classified as Pathogenic.

Natera, Inc.
Classification: Pathogenic for Leber congenital amaurosis. Last evaluated: 2024-12-23. Review status: criteria provided, single submitter. Criteria: Natera Variant Classification Schema (03/2026). Collection method: clinical testing. Allele origin: germline.
Comment: The c.316C>T variant in RDH12 is a nonsense variant predicted to introduce a stop codon at amino acid 106. This variant is expected to result in nonsense mediated decay, truncation, or a dysfunctional protein product. This variant is rare in the general population with a frequency below the threshold expected for the associated phenotype(s). This variant has been observed in one or more individuals affected with the associated recessive disease, as either homozygous or compound heterozygous with a second variant (PMID: 32531858, 22065924). Given the available evidence, this variant is classified as Pathogenic.

Fulgent Genetics
Classification: Pathogenic for Leber congenital amaurosis 13. Last evaluated: 2024-02-26. Review status: criteria provided, single submitter. Criteria: ACMG Guidelines, 2015. Collection method: clinical testing. Allele origin: germline.

Dasa
Classification: Pathogenic for Leber congenital amaurosis 13. Last evaluated: 2022-01-05. Review status: criteria provided, single submitter. Criteria: ACMG Guidelines, 2015. Collection method: clinical testing. Allele origin: germline. Affected: yes. Observed: 1 variant allele.
Comment: The c.316C>T;p.(Arg106*) variant creates a premature translational stop signal in the RDH12 gene. It is expected to result in an absent or disrupted protein product -PVS1. This sequence change has been observed in affected individual(s) and ClinVar contains an entry for this variant (ClinVar ID: 835782; PMID: 22065924; 29178642) - PS4. The variant is present at low allele frequencies population databases (rs752242512 – gnomAD 0.001314%; ABraOM no frequency) - PM2_supporting. In summary, the currently available evidence indicates that the variant is pathogenic.

Blueprint Genetics
Classification: Pathogenic for RDH12-related disorders. Last evaluated: 2019-12-20. Review status: criteria provided, single submitter. Criteria: ACMG Guidelines, 2015. Collection method: clinical testing. Allele origin: germline. Affected: yes. Observed: 3 variant alleles.

CeGaT Center for Human Genetics Tuebingen
Classification: Pathogenic. Last evaluated: 2017-06-01. Review status: criteria provided, single submitter. Criteria: CeGaT Center For Human Genetics Tuebingen Variant Classification Criteria Version 2. Collection method: clinical testing. Allele origin: germline. Affected: yes. Observed: 1 variant allele.

Juno Genomics, Hangzhou Juno Genomics, Inc
Classification: Pathogenic for Leber congenital amaurosis 13. Review status: criteria provided, single submitter. Criteria: ACMG Guidelines, 2015. Collection method: clinical testing. Allele origin: germline.
Comment: Absent from controls (or at extremely low frequency if recessive) in Genome Aggregation Database.;Null variant in a gene where loss of function (LOF) is a known mechanism of disease.;For recessive disorders, detected in trans with a pathogenic variant.

Literature cited by the submitters: PubMed 22065924 (cited by 4 submitters); PubMed 32014858 (cited by Medical Molecular Genetics Department, National Research Center and Labcorp Genetics (formerly Invitae), Labcorp); PubMed 17964524 (cited by Labcorp Genetics (formerly Invitae), Labcorp); PubMed 34001834 (cited by Labcorp Genetics (formerly Invitae), Labcorp); PubMed 29178642 (cited by Labcorp Genetics (formerly Invitae), Labcorp and Dasa); PubMed 32531858 (cited by Natera, Inc.).